The following is an entry in ClinVar:

NC_000004.11:g.(?_5720955)_(5721120_?)del

Gene: EVC (EvC ciliary complex subunit 1; plus strand). Cytogenetic location: 4p16.2.
Variant type: Deletion.
Identifiers: ClinVar variation 1376975 (VCV001376975.5).

ClinVar aggregate classification (germline): Uncertain significance (1 of 4 stars; one submission).

Conditions:
Ellis-van Creveld syndrome (EVC). Also called: Chondroectodermal dysplasia; EVC-Related Ellis-van Creveld Syndrome; EVC2-Related Ellis-van Creveld Syndrome; MESOECTODERMAL DYSPLASIA. Identifiers: Orphanet 289, MedGen C0013903, MONDO:0009162, OMIM 225500.
Curry-Hall syndrome (WAD). Also called: WEYERS ACRODENTAL DYSOSTOSIS. Identifiers: Orphanet 952, MedGen C0457013, MONDO:0008673, OMIM 193530.

Submission:

Labcorp Genetics (formerly Invitae), Labcorp
Classification: Uncertain significance for Curry-Hall syndrome; Ellis-van Creveld syndrome. Last evaluated: 2022-06-13. Review status: criteria provided, single submitter. Criteria: Invitae Variant Classification Sherloc (09022015). Collection method: clinical testing. Allele origin: germline.
Comment: This variant is a gross deletion of the genomic region encompassing exon(s) 2 of the EVC gene. This variant would be expected to be in-frame, preserving the integrity of the reading frame. This variant has not been reported in the literature in individuals affected with EVC-related conditions. In summary, the available evidence is currently insufficient to determine the role of this variant in disease. Therefore, it has been classified as a Variant of Uncertain Significance.